The following is an entry in ClinVar:

NM_182914.3(SYNE2):c.9634A>G (p.Ile3212Val)

Gene: SYNE2 (spectrin repeat containing nuclear envelope protein 2; plus strand). Cytogenetic location: 14q23.2.
Variant type: single nucleotide variant.
Coding change: c.9634A>G on transcript NM_182914.3 (MANE Select); coding-DNA position 9634, A replaced by G.
Protein change: p.Ile3212Val; replaces isoleucine 3212 with valine.
Molecular consequence: missense variant.
Genome position (GRCh38, 1-based): chr14:64,053,547, A>G. VCF-style: chr14-64053547-A-G. GRCh37 (hg19) VCF-style: chr14-64520265-A-G.
Other names: c.9634A>G, p.Ile3212Val (NM_015180.6); short protein forms I3212V.
Identifiers: ClinVar variation 2150148 (VCV002150148.4), dbSNP rs377100573, ClinGen allele CA7221301.

ClinVar aggregate classification (germline): Uncertain significance (1 of 4 stars; one submission).

Conditions:
Emery-Dreifuss muscular dystrophy 5, autosomal dominant (EDMD5). Also called: EMERY-DREIFUSS MUSCULAR DYSTROPHY 5. Identifiers: Orphanet 261, MedGen C2751805, MONDO:0013072, OMIM 612999.

Allele frequency attached by ClinVar (database versions not stated): gnomAD exomes 0.00001; ExAC 0.00002; gnomAD 0.00005; TOPMed 0.00006.
gnomAD v4.1: 22 of 1,614,120 alleles (0.0014%); highest among the groups gnomAD compares: East Asian, 0.013%; no homozygotes.

Submission:

Labcorp Genetics (formerly Invitae), Labcorp
Classification: Uncertain significance for Emery-Dreifuss muscular dystrophy 5, autosomal dominant. Last evaluated: 2022-06-08. Review status: criteria provided, single submitter. Criteria: Invitae Variant Classification Sherloc (09022015). Collection method: clinical testing. Allele origin: germline.
Comment: In summary, the available evidence is currently insufficient to determine the role of this variant in disease. Therefore, it has been classified as a Variant of Uncertain Significance. Algorithms developed to predict the effect of missense changes on protein structure and function (SIFT, PolyPhen-2, Align-GVGD) all suggest that this variant is likely to be tolerated. This variant has not been reported in the literature in individuals affected with SYNE2-related conditions. This variant is present in population databases (rs377100573, gnomAD 0.02%). This sequence change replaces isoleucine, which is neutral and non-polar, with valine, which is neutral and non-polar, at codon 3212 of the SYNE2 protein (p.Ile3212Val).